The following is an entry in ClinVar:

NM_175914.5(HNF4A):c.1259G>A (p.Gly420Glu)

Gene: HNF4A (hepatocyte nuclear factor 4 alpha; plus strand). Cytogenetic location: 20q13.12.
Variant type: single nucleotide variant.
Coding change: c.1259G>A on transcript NM_175914.5 (MANE Select); coding-DNA position 1259, G replaced by A.
Protein change: p.Gly420Glu; replaces glycine 420 with glutamic acid.
Molecular consequence: missense variant.
Genome position (GRCh38, 1-based): chr20:44,429,565, G>A. VCF-style: chr20-44429565-G-A. GRCh37 (hg19) VCF-style: chr20-43058205-G-A.
Other names: c.1325G>A, p.Gly442Glu (NM_000457.6); c.1229G>A, p.Gly410Glu (NM_001030003.3); c.1304G>A, p.Gly435Glu (NM_001258355.2); c.1220G>A, p.Gly407Glu (NM_001287182.2); c.1250G>A, p.Gly417Glu (NM_001287183.2); c.1295G>A, p.Gly432Glu (NM_178849.3); short protein forms G407E, G410E, G417E, G420E, G432E, G435E, G442E.
Identifiers: ClinVar variation 994899 (VCV000994899.2), dbSNP rs2063851984, ClinGen allele CA409110374.

ClinVar aggregate classification (germline): Uncertain significance/Uncertain risk allele. Review status: criteria provided, multiple submitters, no conflicts (2 of 4 stars). 2 submissions from 2 submitters: Uncertain significance (1); Uncertain risk allele (1). Last evaluated 2020-07-14.

Conditions:
Maturity-onset diabetes of the young (MODY). Also called: Maturity onset diabetes mellitus in young. Identifiers: Orphanet 552, MedGen C0342276, MONDO:0018911, HP:0004904.

Submissions (2):

Athena Diagnostics
Classification: Uncertain significance. Last evaluated: 2020-07-14. Review status: criteria provided, single submitter. Criteria: Athena Diagnostics Criteria. Collection method: clinical testing. Allele origin: unknown.

Clinical Genomics, Uppaluri K&H Personalized Medicine Clinic
Classification: Uncertain risk allele for Maturity-onset diabetes of the young. Review status: criteria provided, single submitter. Criteria: K & H Uppaluri Personalized Medicine Clinic Variant Classification & Assertion Criteria_Updated V.1. Collection method: research. Allele origin: unknown. Inheritance: Autosomal dominant inheritance.
Comment: Potent mutations in HNF4A are associated with poor insulin secretion in response to hyperglycemia. Associated with MODY1. Patients initially respond well to sulfonylureas but eventually become insulin dependent. However, more evidence is required to ascertain the role of this particular variant rs2063851984 in MODY, yet.

Literature cited by the submitters: DOI 10.1159/000334532 (cited by Clinical Genomics, Uppaluri K&H Personalized Medicine Clinic); PubMed 18268044 (cited by Clinical Genomics, Uppaluri K&H Personalized Medicine Clinic); PubMed 17563455 (cited by Clinical Genomics, Uppaluri K&H Personalized Medicine Clinic); PubMed 32583173 (cited by Clinical Genomics, Uppaluri K&H Personalized Medicine Clinic); PubMed 35052457 (cited by Clinical Genomics, Uppaluri K&H Personalized Medicine Clinic); PubMed 35118593 (cited by Clinical Genomics, Uppaluri K&H Personalized Medicine Clinic).